The following is an entry in ClinVar:

ClinVar aggregate classification (germline): Uncertain significance (1 of 4 stars; one submission).

Allele frequency attached by ClinVar (database versions not stated): ExAC 0.00002.
gnomAD v4.1: 7 of 1,610,682 alleles (0.00043%); highest among the groups gnomAD compares: South Asian, 0.0011%; no homozygotes.

Submission:

Labcorp Genetics (formerly Invitae), Labcorp
Classification: Uncertain significance. Last evaluated: 2025-01-01. Review status: criteria provided, single submitter. Criteria: Invitae Variant Classification Sherloc (09022015). Collection method: clinical testing. Allele origin: germline.
Comment: This sequence change replaces serine, which is neutral and polar, with leucine, which is neutral and non-polar, at codon 46 of the CDH2 protein (p.Ser46Leu). This variant is present in population databases (rs780887307, gnomAD 0.003%). This variant has not been reported in the literature in individuals affected with CDH2-related conditions. ClinVar contains an entry for this variant (Variation ID: 1949473). An algorithm developed to predict the effect of missense changes on protein structure and function (PolyPhen-2) suggests that this variant is likely to be tolerated. In summary, the available evidence is currently insufficient to determine the role of this variant in disease. Therefore, it has been classified as a Variant of Uncertain Significance.

NM_001792.5(CDH2):c.137C>T (p.Ser46Leu)

Gene: CDH2 (cadherin 2; minus strand). Cytogenetic location: 18q12.1.
Variant type: single nucleotide variant.
Coding change: c.137C>T on transcript NM_001792.5 (MANE Select); coding-DNA position 137, C replaced by T.
Protein change: p.Ser46Leu; replaces serine 46 with leucine.
Molecular consequence: missense variant.
Genome position (GRCh38, 1-based): chr18:28,147,708, G>A on the plus strand (C>T on the coding strand, the complement: CDH2 is on the minus strand). VCF-style: chr18-28147708-G-A. GRCh37 (hg19) VCF-style: chr18-25727672-G-A.
Other names: short protein forms S46L.
Identifiers: ClinVar variation 1949473 (VCV001949473.5), dbSNP rs780887307, ClinGen allele CA8923826.